The following is an entry in ClinVar:

NM_000543.5(SMPD1):c.1647C>A (p.Asn549Lys)

Gene: SMPD1 (sphingomyelin phosphodiesterase 1; plus strand). Cytogenetic location: 11p15.4.
Variant type: single nucleotide variant.
Coding change: c.1647C>A on transcript NM_000543.5 (MANE Select); coding-DNA position 1647, C replaced by A.
Protein change: p.Asn549Lys; replaces asparagine 549 with lysine.
Molecular consequence: missense variant. On other transcripts: 3 prime UTR variant (1), non-coding transcript variant (2).
Genome position (GRCh38, 1-based): chr11:6,394,358, C>A. VCF-style: chr11-6394358-C-A. GRCh37 (hg19) VCF-style: chr11-6415588-C-A.
Other names: c.1644C>A, p.Asn548Lys (NM_001007593.3); c.*140C>A (NM_001318087.2); c.726C>A, p.Asn242Lys (NM_001318088.2); c.1515C>A, p.Asn505Lys (NM_001365135.2); short protein forms N242K, N505K, N548K, N549K.
Identifiers: ClinVar variation 3336038 (VCV003336038.1).
Genomic context (GRCh38, chr11:6,394,358, plus strand): 5'-GGGAGCCATACCGCACTGGCAGCTTCTCTACAGGGCTCGAGAAACCTATGGGCTGCCCAA[C>A]ACACTGCCTACCGCCTGGCACAACCTGGTATATCGCATGCGGGGCGACATGCAACTTTTC-3'
Protein context (NP_000534.3, residues 539-559): YRARETYGLP[Asn549Lys]TLPTAWHNLV

ClinVar aggregate classification (germline): Uncertain significance (1 of 4 stars; one submission).

Submission:

Women's Health and Genetics/Laboratory Corporation of America, LabCorp
Classification: Uncertain significance. Last evaluated: 2024-05-30. Review status: criteria provided, single submitter. Criteria: LabCorp Variant Classification Summary - May 2015. Collection method: clinical testing. Allele origin: germline.
Comment: Variant summary: SMPD1 c.1647C>A (p.Asn549Lys) results in a non-conservative amino acid change located in the Sphingomyelin phosphodiesterase, C-terminal domain (IPR045473) of the encoded protein sequence. Three of four in-silico tools predict a benign effect of the variant on protein function. The variant was absent in 251470 control chromosomes. c.1647C>A has been reported in the literature as homozygous in an individual affected with Autosomal recessive Niemann-Pick Disease type B (Ranganath_2016). These data indicate that the variant may be associated with disease. To our knowledge, no experimental evidence demonstrating an impact on protein function has been reported. The following publication has been ascertained in the context of this evaluation (PMID: 27338287). No submitters have cited clinical-significance assessments for this variant to ClinVar. Based on the evidence outlined above, the variant was classified as VUS-possibly pathogenic.

Literature cited by the submitters: PubMed 27338287.